The following is an entry in ClinVar:

ClinVar aggregate classification (germline): Uncertain significance. Review status: criteria provided, multiple submitters, no conflicts (2 of 4 stars). 2 submissions from 2 submitters: Uncertain significance (2). Last evaluated 2025-10-07.

Conditions:
Inborn genetic diseases. Identifiers: MedGen C0950123, MeSH D030342.
Spastic paraplegia. Identifiers: MedGen C0037772, HP:0001258.

gnomAD v4.1: 28 of 1,614,086 alleles (0.0017%); highest among the groups gnomAD compares: South Asian, 0.03%; 1 homozygote.

Submissions (2):

Ambry Genetics
Classification: Uncertain significance for Inborn genetic diseases. Last evaluated: 2025-10-07. Review status: criteria provided, single submitter. Criteria: Ambry Variant Classification Scheme 2023. Collection method: clinical testing. Allele origin: germline.

Labcorp Genetics (formerly Invitae), Labcorp
Classification: Uncertain significance for Spastic paraplegia. Last evaluated: 2024-06-25. Review status: criteria provided, single submitter. Criteria: Invitae Variant Classification Sherloc (09022015). Collection method: clinical testing. Allele origin: germline.
Comment: This sequence change replaces glutamine, which is neutral and polar, with leucine, which is neutral and non-polar, at codon 1599 of the ZFYVE26 protein (p.Gln1599Leu). This variant is present in population databases (rs755653365, gnomAD 0.03%), including at least one homozygous and/or hemizygous individual. This variant has not been reported in the literature in individuals affected with ZFYVE26-related conditions. An algorithm developed to predict the effect of missense changes on protein structure and function (PolyPhen-2) suggests that this variant is likely to be tolerated. In summary, the available evidence is currently insufficient to determine the role of this variant in disease. Therefore, it has been classified as a Variant of Uncertain Significance.

NM_015346.4(ZFYVE26):c.4796A>T (p.Gln1599Leu)

Gene: ZFYVE26 (zinc finger FYVE-type containing 26; minus strand). Cytogenetic location: 14q24.1.
Variant type: single nucleotide variant.
Coding change: c.4796A>T on transcript NM_015346.4 (MANE Select); coding-DNA position 4796, A replaced by T.
Protein change: p.Gln1599Leu; replaces glutamine 1599 with leucine.
Molecular consequence: missense variant.
Genome position (GRCh38, 1-based): chr14:67,778,127, T>A on the plus strand (A>T on the coding strand, the complement: ZFYVE26 is on the minus strand). VCF-style: chr14-67778127-T-A. GRCh37 (hg19) VCF-style: chr14-68244844-T-A.
Other names: c.4796A>T (NM_015346.3); short protein forms Q1599L.
Identifiers: ClinVar variation 3675633 (VCV003675633.3).
Genomic context (GRCh38, chr14:67,778,127, plus strand): 5'-GATTTGACTAAACTTCTTGTCCCACCCCAGAAGAAAAATGGAAAGAACTGGGGGCTTACT[T>A]GCAGAGCCTTGTCATGATCTCTTCTTTCTAGAAGGTGGAGAAGATGCTTTTGATGAAGGC-3'
Protein context (NP_056161.2, residues 1589-1609): LERRDHDKAL[Gln1599Leu]LLRRIPDPTM